The following is an entry in ClinVar:

ClinVar aggregate classification (germline): Benign/Likely benign. Review status: criteria provided, multiple submitters, no conflicts (2 of 4 stars). 5 submissions from 5 submitters: Benign (1); Likely benign (4). Last evaluated 2025-03-19.

Conditions:
Hereditary cancer-predisposing syndrome. Also called: Hereditary neoplastic syndrome; Tumor predisposition; Neoplastic Syndromes, Hereditary; Hereditary Cancer Syndrome. Identifiers: Orphanet 140162, MedGen C0027672, MeSH D009386, MONDO:0015356.
Familial thoracic aortic aneurysm and aortic dissection (TAAD). Also called: Thoracic aortic aneurysms and dissections. Identifiers: Orphanet 91387, MedGen C4707243, MONDO:0019625.
Juvenile polyposis syndrome (JPS). Identifiers: Orphanet 2929, MedGen C0345893, MONDO:0017380, OMIM 174900.
Juvenile polyposis/hereditary hemorrhagic telangiectasia syndrome (JPHT). Also called: Juvenile Polyposis Syndrome / Hereditary Hemorrhagic Telangiectasia (JPS/HHT); JP/HHT SYNDROME; JUVENILE POLYPOSIS WITH HEREDITARY HEMORRHAGIC TELANGIECTASIA; POLYPOSIS, GENERALIZED JUVENILE, WITH PULMONARY ARTERIOVENOUS MALFORMATION; TELANGIECTASIA, HEREDITARY HEMORRHAGIC, WITH JUVENILE POLYPOSIS COLI. Identifiers: Orphanet 2929, MedGen C1832942, MONDO:0008278, OMIM 175050.

Allele frequency attached by ClinVar (database versions not stated): gnomAD exomes below 0.00001 and 0.00001; ExAC 0.00001; gnomAD 0.00001; 1000 Genomes Project 30x 0.00016; 1000 Genomes Project 0.00020.
gnomAD v4.1: 6 of 1,614,118 alleles (0.00037%); highest among the groups gnomAD compares: South Asian, 0.0066%; no homozygotes.

Submissions (5):

Myriad Genetics, Inc.
Classification: Benign for Juvenile polyposis/hereditary hemorrhagic telangiectasia syndrome. Last evaluated: 2025-03-19. Review status: criteria provided, single submitter. Criteria: Myriad Autosomal Dominant, Autosomal Recessive and X-Linked Classification Criteria (2023). Collection method: clinical testing. Allele origin: unknown.
Comment: This variant is considered benign. This variant is a silent/synonymous amino acid change and it is not expected to impact splicing.

Labcorp Genetics (formerly Invitae), Labcorp
Classification: Likely benign for Juvenile polyposis syndrome. Last evaluated: 2024-11-03. Review status: criteria provided, single submitter. Criteria: Invitae Variant Classification Sherloc (09022015). Collection method: clinical testing. Allele origin: germline.

All of Us Research Program, National Institutes of Health
Classification: Likely benign for Juvenile polyposis/hereditary hemorrhagic telangiectasia syndrome. Last evaluated: 2023-06-26. Review status: criteria provided, single submitter. Criteria: ACMG Guidelines, 2015. Collection method: clinical testing. Allele origin: germline. Inheritance: Autosomal dominant inheritance. Observed: 1 variant allele, 1 heterozygote.
Comment: This study involves interpretation of variants in research participants for the purpose of population health screening. Participant phenotype was not available at the time of variant classification. Additional details can be found in publication PMID: 35346344, PMCID: PMC8962531

Ambry Genetics
Classification: Likely benign for Hereditary cancer-predisposing syndrome; Familial thoracic aortic aneurysm and aortic dissection. Last evaluated: 2020-09-17. Review status: criteria provided, single submitter. Criteria: Ambry Variant Classification Scheme 2023. Collection method: clinical testing. Allele origin: germline.

Color Diagnostics, LLC DBA Color Health
Classification: Likely benign for Hereditary cancer-predisposing syndrome. Last evaluated: 2017-10-14. Review status: criteria provided, single submitter. Criteria: ACMG Guidelines, 2015. Collection method: clinical testing. Allele origin: germline.

NM_005359.6(SMAD4):c.594A>C (p.Pro198=)

Gene: SMAD4 (SMAD family member 4; plus strand). Cytogenetic location: 18q21.2.
Variant type: single nucleotide variant.
Coding change: c.594A>C on transcript NM_005359.6 (MANE Select); coding-DNA position 594, A replaced by C.
Protein change: p.Pro198=; no amino-acid change (proline 198 retained).
Molecular consequence: synonymous variant.
Genome position (GRCh38, 1-based): chr18:51,054,920, A>C. VCF-style: chr18-51054920-A-C. GRCh37 (hg19) VCF-style: chr18-48581290-A-C.
Identifiers: ClinVar variation 492484 (VCV000492484.16), dbSNP rs547278031, ClinGen allele CA8965835.